The following is an entry in ClinVar:

NM_031935.3(HMCN1):c.12537G>A (p.Thr4179=)

Gene: HMCN1 (hemicentin 1; plus strand). Cytogenetic location: 1q31.1.
Variant type: single nucleotide variant.
Coding change: c.12537G>A on transcript NM_031935.3 (MANE Select); coding-DNA position 12537, G replaced by A.
Protein change: p.Thr4179=; no amino-acid change (threonine 4179 retained).
Molecular consequence: synonymous variant.
Genome position (GRCh38, 1-based): chr1:186,125,641, G>A. VCF-style: chr1-186125641-G-A. GRCh37 (hg19) VCF-style: chr1-186094773-G-A.
Other names: c.12537G>A (NM_031935.2).
Identifiers: ClinVar variation 1930146 (VCV001930146.7), dbSNP rs766495464, ClinGen allele CA1294391.
Genomic context (GRCh38, chr1:186,125,641, plus strand): 5'-ACTCTTTTTTAAACTCTTCATAGTACCACCCAGGATCAGAAGTACAGAAGGACACTACAC[G>A]GTCAATGAGAATTCACAAGCCATTCTTCCATGCGTAGCTGATGGAATCCCCACACCAGCA-3'
Protein context (NP_114141.2, residues 4169-4189): PRIRSTEGHY[Thr4179=]VNENSQAILP

ClinVar aggregate classification (germline): Likely benign. Review status: criteria provided, single submitter (1 of 4 stars). 2 submissions from 2 submitters: Likely benign (1). 1 of the submissions does not count toward it. Last evaluated 2023-10-23.

Conditions:
HMCN1-related disorder. Also called: HMCN1-related condition.

Allele frequency attached by ClinVar (database versions not stated): gnomAD 0.00001; TOPMed 0.00001.
gnomAD v4.1: 17 of 1,613,158 alleles (0.0011%); highest among the groups gnomAD compares: South Asian, 0.011%; no homozygotes.

Submissions (2):

Labcorp Genetics (formerly Invitae), Labcorp
Classification: Likely benign. Last evaluated: 2023-10-23. Review status: criteria provided, single submitter. Criteria: Invitae Variant Classification Sherloc (09022015). Collection method: clinical testing. Allele origin: germline.

PreventionGenetics, part of Exact Sciences
Classification: Likely benign for HMCN1-related condition. Last evaluated: 2021-02-15. Review status: no assertion criteria provided. Collection method: clinical testing. Allele origin: germline. Not counted in ClinVar's aggregate classification.
Comment: This variant is classified as likely benign based on ACMG/AMP sequence variant interpretation guidelines (Richards et al. 2015 PMID: 25741868, with internal and published modifications).